The following is an entry in ClinVar:

NM_152296.5(ATP1A3):c.1520G>A (p.Arg507His)

Gene: ATP1A3 (ATPase Na+/K+ transporting subunit alpha 3; minus strand). Cytogenetic location: 19q13.2.
Variant type: single nucleotide variant.
Coding change: c.1520G>A on transcript NM_152296.5 (MANE Select); coding-DNA position 1520, G replaced by A.
Protein change: p.Arg507His; replaces arginine 507 with histidine.
Molecular consequence: missense variant.
Genome position (GRCh38, 1-based): chr19:41,978,716, C>T on the plus strand (G>A on the coding strand, the complement: ATP1A3 is on the minus strand). VCF-style: chr19-41978716-C-T. GRCh37 (hg19) VCF-style: chr19-42482868-C-T.
Other names: p.Arg507His; c.1553G>A, p.Arg518His (NM_001256213.2); c.1559G>A, p.Arg520His (NM_001256214.2); short protein forms R507H, R518H, R520H.
Identifiers: ClinVar variation 536469 (VCV000536469.11), dbSNP rs782370873, ClinGen allele CA9467613.
Genomic context (GRCh38, chr19:41,978,716, plus strand): 5'-GCCTCCTTCATTTCCTCGTCCAGAGGCTGCTCCTTGCCCTGTAGCAGGATGGTGGAGCAG[C>T]GGTCCAGGATGCGCTCGGGGGCACCCTTCATCACCAGCAGGTATCGGTTGTCGTTGGGGT-3'
Protein context (NP_689509.1, residues 497-517): MKGAPERILD[Arg507His]CSTILLQGKE

ClinVar aggregate classification (germline): Conflicting classifications of pathogenicity. Review status: criteria provided, conflicting classifications (1 of 4 stars). 4 submissions from 4 submitters: Uncertain significance (3); Likely benign (1). Last evaluated 2026-03-18.

Conditions:
Dystonia 12 (DYT12). Also called: DYT-ATP1A3; Rapid-Onset Dystonia-Parkinsonism (RDP). Identifiers: Orphanet 71517, MedGen C1868681, MONDO:0007496, OMIM 128235.

Allele frequency attached by ClinVar (database versions not stated): gnomAD 0.00003; TOPMed 0.00004; ExAC 0.00006; gnomAD exomes 0.00008 and 0.00019.
gnomAD v4.1: 280 of 1,613,996 alleles (0.017%); highest among the groups gnomAD compares: Non-Finnish European, 0.023%; 1 homozygote.

Submissions (4):

Women's Health and Genetics/Laboratory Corporation of America, LabCorp
Classification: Uncertain significance. Last evaluated: 2026-03-18. Review status: criteria provided, single submitter. Criteria: LabCorp Variant Classification Summary - May 2015. Collection method: clinical testing. Allele origin: germline.
Comment: Variant summary: ATP1A3 c.1520G>A (p.Arg507His) results in a non-conservative amino acid change in the encoded protein sequence. Algorithms developed to predict the effect of missense changes on protein structure and function all suggest that this variant is likely to be disruptive. The variant allele was found at a frequency of 8.4e-05 in 251432 control chromosomes. This frequency is not significantly higher than estimated for disease-causing variants in ATP1A3, allowing no conclusion about variant significance. To our knowledge, no occurrence of c.1520G>A in individuals affected with ATP1A3-related conditions and no experimental evidence demonstrating its impact on protein function have been reported. ClinVar contains an entry for this variant (Variation ID: 536469). Based on the evidence outlined above, the variant was classified as uncertain significance.

Labcorp Genetics (formerly Invitae), Labcorp
Classification: Uncertain significance for Dystonia 12. Last evaluated: 2025-08-29. Review status: criteria provided, single submitter. Criteria: Invitae Variant Classification Sherloc (09022015). Collection method: clinical testing. Allele origin: germline.
Comment: This sequence change replaces arginine, which is basic and polar, with histidine, which is basic and polar, at codon 507 of the ATP1A3 protein (p.Arg507His). This variant is present in population databases (rs782370873, gnomAD 0.02%). This variant has not been reported in the literature in individuals affected with ATP1A3-related conditions. ClinVar contains an entry for this variant (Variation ID: 536469). Invitae Evidence Modeling of protein sequence and biophysical properties (such as structural, functional, and spatial information, amino acid conservation, physicochemical variation, residue mobility, and thermodynamic stability) indicates that this missense variant is expected to disrupt ATP1A3 protein function with a positive predictive value of 95%. In summary, the available evidence is currently insufficient to determine the role of this variant in disease. Therefore, it has been classified as a Variant of Uncertain Significance.

Blueprint Genetics
Classification: Likely benign. Last evaluated: 2024-09-11. Review status: criteria provided, single submitter. Criteria: ACMG Guidelines, 2015. Collection method: clinical testing. Allele origin: germline.

Mayo Clinic Laboratories, Mayo Clinic
Classification: Uncertain significance. Last evaluated: 2023-08-15. Review status: criteria provided, single submitter. Criteria: ACMG Guidelines, 2015. Collection method: clinical testing. Allele origin: germline. Observed: 1 variant allele.
Comment: BS2

Literature cited by the submitters: PubMed 33726816 (cited by Mayo Clinic Laboratories, Mayo Clinic).